The following is an entry in ClinVar:

ClinVar aggregate classification (germline): Conflicting classifications of pathogenicity. Review status: criteria provided, conflicting classifications (1 of 4 stars). 16 submissions from 12 submitters: Uncertain significance (3); Benign (5); Likely benign (6). 2 of the submissions do not count toward it. Last evaluated 2026-03-01.

Conditions:
Cardiovascular phenotype. Identifiers: MedGen CN230736.
Dilated cardiomyopathy 1G (CMD1G). Identifiers: Orphanet 154, MedGen C1858763, MONDO:0011400, OMIM 604145.
Autosomal recessive limb-girdle muscular dystrophy type 2J (LGMDR10). Also called: Limb-girdle muscular dystrophy, type 2J; MUSCULAR DYSTROPHY, LIMB-GIRDLE, AUTOSOMAL RECESSIVE 10. Identifiers: Orphanet 140922, MedGen C1837342, MONDO:0012127, OMIM 608807.
Cardiomyopathy (CMYO). Also called: Cardiomyopathies. Identifiers: Orphanet 167848, MedGen C0878544, MONDO:0004994, HP:0001638. Inheritance: Various modes of inheritance.
Early-onset myopathy with fatal cardiomyopathy (CMYO5). Also called: CONGENITAL MYOPATHY 5 WITH CARDIOMYOPATHY; Salih Myopathy. Identifiers: Orphanet 289377, MedGen C2673677, MONDO:0012714, OMIM 611705. Disease mechanism: loss of function.
Myopathy, myofibrillar, 9, with early respiratory failure (MFM9). Also called: Hereditary myopathy with early respiratory failure; MYOPATHY, PROXIMAL, WITH EARLY RESPIRATORY MUSCLE INVOLVEMENT; EDSTROM MYOPATHY; Myopathy, distal, with early respiratory failure, autosomal dominant. Identifiers: Orphanet 178464, Orphanet 34521, MedGen C1863599, MONDO:0011362, OMIM 603689.
Tibial muscular dystrophy (TMD). Also called: UDD MYOPATHY; Tibial muscular dystrophy, tardive; Udd Distal Myopathy – Tibial Muscular Dystrophy. Identifiers: Orphanet 609, MedGen C1838244, MONDO:0010870, OMIM 600334.

Allele frequency attached by ClinVar (database versions not stated): ESP Exome Variant Server 0.00008; gnomAD 0.00009 and 0.00025; TOPMed 0.00015; gnomAD exomes 0.00047 and 0.00087; ExAC 0.00103; 1000 Genomes Project 30x 0.00109; 1000 Genomes Project 0.00120.
gnomAD v4.1: 731 of 1,613,060 alleles (0.045%); highest among the groups gnomAD compares: South Asian, 0.63%; 8 homozygotes.

Submissions (16):

CeGaT Center for Human Genetics Tuebingen
Classification: Likely benign. Last evaluated: 2026-03-01. Review status: criteria provided, single submitter. Criteria: CeGaT Center For Human Genetics Tuebingen Variant Classification Criteria Version 2. Collection method: clinical testing. Allele origin: germline. Affected: yes. Observed: 10 variant alleles.
Comment: TTN: BP4, BP7

Labcorp Genetics (formerly Invitae), Labcorp
Classification: Benign for Dilated cardiomyopathy 1G; Autosomal recessive limb-girdle muscular dystrophy type 2J. Last evaluated: 2026-02-04. Review status: criteria provided, single submitter. Criteria: Invitae Variant Classification Sherloc (09022015). Collection method: clinical testing. Allele origin: germline.

Molecular Diagnostic Laboratory for Inherited Cardiovascular Disease, Montreal Heart Institute
Classification: Likely benign. Last evaluated: 2025-07-24. Review status: criteria provided, single submitter. Criteria: ACMG Guidelines, 2015. Collection method: clinical testing. Allele origin: germline. Affected: no.
Comment: BS1;BP7

Blueprint Genetics
Classification: Likely benign. Last evaluated: 2024-11-26. Review status: criteria provided, single submitter. Criteria: ACMG Guidelines, 2015. Collection method: clinical testing. Allele origin: germline.

GeneDx
Classification: Likely benign. Last evaluated: 2020-11-04. Review status: criteria provided, single submitter. Criteria: GeneDx Variant Classification Process June 2021. Collection method: clinical testing. Allele origin: germline. Affected: yes.

Illumina Laboratory Services, Illumina
Classification: Uncertain significance for Dilated cardiomyopathy 1G. Last evaluated: 2018-01-13. Review status: criteria provided, single submitter. Criteria: ICSL Variant Classification Criteria 13 December 2019. Collection method: clinical testing. Allele origin: germline.

Illumina Laboratory Services, Illumina
Classification: Benign for Tibial muscular dystrophy. Last evaluated: 2018-01-13. Review status: criteria provided, single submitter. Criteria: ICSL Variant Classification Criteria 13 December 2019. Collection method: clinical testing. Allele origin: germline.
Comment: This variant was observed in the ICSL laboratory as part of a predisposition screen in an ostensibly healthy population. It had not been previously curated by ICSL or reported in the Human Gene Mutation Database (HGMD: prior to June 1st, 2018), and was therefore a candidate for classification through an automated scoring system. Utilizing variant allele frequency, disease prevalence and penetrance estimates, and inheritance mode, an automated score was calculated to assess if this variant is too frequent to cause the disease. Based on the score and internal cut-off values, a variant classified as benign is not then subjected to further curation. The score for this variant resulted in a classification of benign for this disease.

Illumina Laboratory Services, Illumina
Classification: Uncertain significance for Autosomal recessive limb-girdle muscular dystrophy type 2J. Last evaluated: 2018-01-13. Review status: criteria provided, single submitter. Criteria: ICSL Variant Classification Criteria 13 December 2019. Collection method: clinical testing. Allele origin: germline.

Illumina Laboratory Services, Illumina
Classification: Benign for Myopathy, myofibrillar, 9, with early respiratory failure. Last evaluated: 2018-01-13. Review status: criteria provided, single submitter. Criteria: ICSL Variant Classification Criteria 13 December 2019. Collection method: clinical testing. Allele origin: germline.
Comment: the same text as in the submission from Illumina Laboratory Services, Illumina above.

Illumina Laboratory Services, Illumina
Classification: Uncertain significance for Early-onset myopathy with fatal cardiomyopathy. Last evaluated: 2018-01-13. Review status: criteria provided, single submitter. Criteria: ICSL Variant Classification Criteria 13 December 2019. Collection method: clinical testing. Allele origin: germline.

CHEO Genetics Diagnostic Laboratory, Children's Hospital of Eastern Ontario
Classification: Benign for Cardiomyopathy. Last evaluated: 2017-11-30. Review status: criteria provided, single submitter. Criteria: ACMG Guidelines, 2015. Collection method: clinical testing. Allele origin: germline.

Laboratory for Molecular Medicine, Mass General Brigham Personalized Medicine
Classification: Benign. Last evaluated: 2016-10-07. Review status: criteria provided, single submitter. Criteria: LMM Criteria. Collection method: clinical testing. Allele origin: germline. Observed: 4 variant alleles.
Comment: p.Tyr11758Tyr in Exon 182 of TTN: This variant is not expected to have clinical significance because it does not alter an amino acid residue and is not located within the splice consensus sequence. It has been identified in 0.6% (106/16500) of South Asian chromosomes, including 1 homozygote, by the Exome Aggregation Co nsortium (ExAC; dbSNP rs369959066).

Eurofins Ntd Llc (ga)
Classification: Likely benign. Last evaluated: 2016-06-07. Review status: criteria provided, single submitter. Criteria: EGL Classification Definitions 2015. Collection method: clinical testing. Allele origin: germline. Observed: 2 variant alleles, 2 heterozygotes.

Ambry Genetics
Classification: Likely benign for Cardiovascular phenotype. Last evaluated: 2013-05-27. Review status: criteria provided, single submitter. Criteria: Ambry Autosomal Dominant and X-Linked criteria (10/2015). Collection method: clinical testing. Allele origin: germline. Observed: 1 variant allele.

Clinical Genetics DNA and cytogenetics Diagnostics Lab, Erasmus MC, Erasmus Medical Center
Classification: Likely benign. Review status: no assertion criteria provided. Collection method: clinical testing. Allele origin: germline. Affected: yes. Study: VKGL Data-share Consensus. Not counted in ClinVar's aggregate classification.

Clinical Genetics, Academic Medical Center
Classification: Benign. Review status: no assertion criteria provided. Collection method: clinical testing. Allele origin: germline. Affected: yes. Study: VKGL Data-share Consensus. Not counted in ClinVar's aggregate classification.

NM_001267550.2(TTN):c.42978C>T (p.Tyr14326=)

Gene: TTN (titin; minus strand). Cytogenetic location: 2q31.2.
Variant type: single nucleotide variant.
Coding change: c.42978C>T on transcript NM_001267550.2 (MANE Select); coding-DNA position 42978, C replaced by T.
Protein change: p.Tyr14326=; no amino-acid change (tyrosine 14326 retained).
Molecular consequence: synonymous variant.
Genome position (GRCh38, 1-based): chr2:178,633,295, G>A on the plus strand (C>T on the coding strand, the complement: TTN is on the minus strand). VCF-style: chr2-178633295-G-A. GRCh37 (hg19) VCF-style: chr2-179498022-G-A.
Other names: c.38055C>T, p.Tyr12685= (NM_001256850.1); c.35274C>T, p.Tyr11758= (NM_133378.4); c.15783C>T, p.Tyr5261= (NM_003319.4); c.16158C>T, p.Tyr5386= (NM_133432.3); c.16359C>T, p.Tyr5453= (NM_133437.4).
Identifiers: ClinVar variation 178218 (VCV000178218.55), dbSNP rs369959066, ClinGen allele CA181817.